The following is an entry in ClinVar:

ClinVar aggregate classification (germline): Uncertain significance (1 of 4 stars; one submission).

Conditions:
Hereditary cancer-predisposing syndrome. Also called: Neoplastic Syndromes, Hereditary; Tumor predisposition; Hereditary neoplastic syndrome; Hereditary Cancer Syndrome. Identifiers: Orphanet 140162, MedGen C0027672, MeSH D009386, MONDO:0015356.

Allele frequency attached by ClinVar (database versions not stated): TOPMed below 0.00001.

Submission:

Ambry Genetics
Classification: Uncertain significance for Hereditary cancer-predisposing syndrome. Last evaluated: 2015-07-24. Review status: criteria provided, single submitter. Criteria: Ambry Variant Classification Scheme 2023. Collection method: clinical testing. Allele origin: germline.
Comment: The c.1144+13C>T intronic alteration consists of a C to T substitution 3 nucleotides after coding exon 10 in the PMS2 gene. Based on insufficient or conflicting evidence, the clinical significance of this alteration remains unclear.

NM_000535.7(PMS2):c.1144+13C>T

Gene: PMS2 (PMS1 homolog 2, mismatch repair system component; minus strand). Cytogenetic location: 7p22.1.
Variant type: single nucleotide variant.
Coding change: c.1144+13C>T on transcript NM_000535.7 (MANE Select); 13 bases into the intron after coding-DNA position 1144, C replaced by T.
Molecular consequence: intron variant.
Genome position (GRCh38, 1-based): chr7:5,989,787, G>A on the plus strand (C>T on the coding strand, the complement: PMS2 is on the minus strand). VCF-style: chr7-5989787-G-A. GRCh37 (hg19) VCF-style: chr7-6029418-G-A.
Other names: c.826+13C>T (NM_001322008.2, NM_001406883.1, NM_001406903.1 and 2 more transcripts); c.835+13C>T (NM_001406881.1, NM_001406879.1, NM_001322015.2 and 5 more transcripts); c.739+13C>T (NM_001406895.1, NM_001322004.2, NM_001406889.1 and 16 more transcripts); c.373+13C>T (NM_001406911.1); c.584-2167C>T (NM_001322010.2, NM_001406906.1, NM_001406907.1); c.671-2167C>T (NM_001406902.1, NM_001406901.1); c.631+13C>T (NM_001406904.1, NM_001406905.1); c.571+13C>T (NM_001322013.2, NM_001406909.1); and 13 more.
Identifiers: ClinVar variation 3076166 (VCV003076166.1), dbSNP rs1783505610, ClinGen allele CA1685235806.